The following is an entry in ClinVar:

NM_001283009.2(RTEL1):c.1794C>G (p.Phe598Leu)

Genes: RTEL1 (regulator of telomere elongation helicase 1; plus strand), RTEL1-TNFRSF6B (RTEL1-TNFRSF6B readthrough (NMD candidate); plus strand). Cytogenetic location: 20q13.33.
Variant type: single nucleotide variant.
Coding change: c.1794C>G on transcript NM_001283009.2 (MANE Select); coding-DNA position 1794, C replaced by G.
Protein change: p.Phe598Leu; replaces phenylalanine 598 with leucine.
Molecular consequence: missense variant. On other transcripts: non-coding transcript variant (1).
Genome position (GRCh38, 1-based): chr20:63,688,599, C>G. VCF-style: chr20-63688599-C-G. GRCh37 (hg19) VCF-style: chr20-62319952-C-G.
Other names: c.1125C>G, p.Phe375Leu (NM_001283010.1); c.1794C>G, p.Phe598Leu (NM_016434.4); c.1866C>G, p.Phe622Leu (NM_032957.5); short protein forms F375L, F598L, F622L.
Identifiers: ClinVar variation 4863533 (VCV004863533.1).

ClinVar aggregate classification (germline): Uncertain significance (1 of 4 stars; one submission).

Conditions:
Inborn genetic diseases. Identifiers: MedGen C0950123, MeSH D030342.

Submission:

Ambry Genetics
Classification: Uncertain significance for Inborn genetic diseases. Last evaluated: 2026-03-31. Review status: criteria provided, single submitter. Criteria: Ambry Variant Classification Scheme 2023. Collection method: clinical testing. Allele origin: germline.
Comment: The p.F598L variant (also known as c.1794C>G), located in coding exon 20 of the RTEL1 gene, results from a C to G substitution at nucleotide position 1794. The phenylalanine at codon 598 is replaced by leucine, an amino acid with highly similar properties. This amino acid position is conserved. In addition, the in silico prediction for this alteration is inconclusive. Based on the available evidence, the clinical significance of this variant remains unclear.